The following is an entry in ClinVar:

NM_020778.5(ALPK3):c.2609_2613delinsGAAG (p.Leu870fs)

Gene: ALPK3 (alpha kinase 3; plus strand). Cytogenetic location: 15q25.3.
Variant type: Indel.
Coding change: c.2609_2613delinsGAAG on transcript NM_020778.5 (MANE Select); coding-DNA positions 2609 to 2613, TTCCT replaced by GAAG.
Protein change: p.Leu870fs; shifts the reading frame from leucine 870.
Molecular consequence: frameshift variant.
Genome position (GRCh38, 1-based): chr15:84,857,347-84,857,351, TTCCT replaced by GAAG. VCF-style: chr15-84857347-TTCCT-GAAG. GRCh37 (hg19) VCF-style: chr15-85400578-TTCCT-GAAG.
Other names: c.3215_3219delTTCCTinsGAAG (NM_020778.4); short protein forms L870fs.
Identifiers: ClinVar variation 3859131 (VCV003859131.1).

ClinVar aggregate classification (germline): Pathogenic (1 of 4 stars; one submission).

Conditions:
Cardiovascular phenotype. Identifiers: MedGen CN230736.

Submission:

Ambry Genetics
Classification: Pathogenic for Cardiovascular phenotype. Last evaluated: 2025-02-07. Review status: criteria provided, single submitter. Criteria: Ambry Variant Classification Scheme 2023. Collection method: clinical testing. Allele origin: germline.
Comment: The c.3215_3219delTTCCTinsGAAG pathogenic mutation, located in coding exon 6 of the ALPK3 gene, results from the deletion of 5 nucleotides and insertion of 4 nucleotides causing a translational frameshift with a predicted alternate stop codon (p.L1072Rfs*6). This variant is considered to be rare based on population cohorts in the Genome Aggregation Database (gnomAD). This alteration is expected to result in loss of function by premature protein truncation or nonsense-mediated mRNA decay. As such, this alteration is interpreted as a disease-causing mutation.